The following is an entry in ClinVar:

NM_001852.4(COL9A2):c.25C>G (p.Arg9Gly)

Gene: COL9A2 (collagen type IX alpha 2 chain; minus strand). Cytogenetic location: 1p34.2.
Variant type: single nucleotide variant.
Coding change: c.25C>G on transcript NM_001852.4 (MANE Select); coding-DNA position 25, C replaced by G.
Protein change: p.Arg9Gly; replaces arginine 9 with glycine.
Molecular consequence: missense variant.
Genome position (GRCh38, 1-based): chr1:40,317,173, G>C on the plus strand (C>G on the coding strand, the complement: COL9A2 is on the minus strand). VCF-style: chr1-40317173-G-C. GRCh37 (hg19) VCF-style: chr1-40782845-G-C.
Other names: short protein forms R9G.
Identifiers: ClinVar variation 377322 (VCV000377322.3), dbSNP rs749827333, ClinGen allele CA792135.

ClinVar aggregate classification (germline): Uncertain significance (1 of 4 stars; one submission).

Allele frequency attached by ClinVar (database versions not stated): gnomAD exomes below 0.00001; TOPMed below 0.00001; ExAC 0.00003.

Submission:

Center for Pediatric Genomic Medicine, Children's Mercy Hospital and Clinics
Classification: Uncertain significance. Last evaluated: 2016-11-03. Review status: criteria provided, single submitter. Criteria: ACMG Guidelines, 2015. Collection method: clinical testing. Allele origin: germline.
ClinVar note: Converted during submission from Uncertain Significance to Uncertain significance.